The following is an entry in ClinVar:

ClinVar aggregate classification (germline): Likely pathogenic (1 of 4 stars; one submission).

Conditions:
Dilated cardiomyopathy 1G (CMD1G). Identifiers: Orphanet 154, MedGen C1858763, MONDO:0011400, OMIM 604145.
Autosomal recessive limb-girdle muscular dystrophy type 2J (LGMDR10). Also called: Limb-girdle muscular dystrophy, type 2J; MUSCULAR DYSTROPHY, LIMB-GIRDLE, AUTOSOMAL RECESSIVE 10. Identifiers: Orphanet 140922, MedGen C1837342, MONDO:0012127, OMIM 608807.

Submission:

Labcorp Genetics (formerly Invitae), Labcorp
Classification: Likely pathogenic for Dilated cardiomyopathy 1G; Autosomal recessive limb-girdle muscular dystrophy type 2J. Last evaluated: 2024-09-18. Review status: criteria provided, single submitter. Criteria: Invitae Variant Classification Sherloc (09022015). Collection method: clinical testing. Allele origin: germline.
Comment: This sequence change creates a premature translational stop signal (p.Trp19205Cysfs*30) in the TTN gene. While this is not anticipated to result in nonsense mediated decay, it is expected to create a truncated TTN protein. This variant is not present in population databases (gnomAD no frequency). This variant has not been reported in the literature in individuals affected with TTN-related conditions. This variant is located in the A band of TTN (PMID: 25589632). Truncating variants in this region are significantly overrepresented in patients affected with dilated cardiomyopathy (PMID: 25589632). Truncating variants in this region have also been reported in individuals affected with autosomal recessive centronuclear myopathy (PMID: 23975875). In summary, the currently available evidence indicates that the variant is pathogenic, but additional data are needed to prove that conclusively. Therefore, this variant has been classified as Likely Pathogenic.

Literature cited by the submitters: PubMed 25589632; PubMed 23975875.

NM_001267550.2(TTN):c.57615del (p.Trp19205fs)

Genes: TTN-AS1 (TTN antisense RNA 1; plus strand), TTN (titin; minus strand). Cytogenetic location: 2q31.2.
Variant type: Deletion.
Coding change: c.57615del on transcript NM_001267550.2 (MANE Select); coding-DNA position 57615, one base deleted (G; older notation c.57615delG).
Protein change: p.Trp19205fs; shifts the reading frame from tryptophan 19205.
Molecular consequence: frameshift variant.
Genome position (GRCh38, 1-based): chr2:178,595,739, C deleted on the plus strand (G on the coding strand, the reverse complement: TTN is on the minus strand); the first of 2 consecutive C bases (chr2:178,595,739-178,595,740); deleting either gives the same sequence. VCF-style (leftmost placement, unchanged base first): chr2-178595738-AC-A. GRCh37 (hg19) VCF-style: chr2-179460465-AC-A.
Other names: c.52692del, p.Trp17564fs (NM_001256850.1); c.30420del, p.Trp10140fs (NM_003319.4); c.49911del, p.Trp16637fs (NM_133378.4); c.30795del, p.Trp10265fs (NM_133432.3); c.30996del, p.Trp10332fs (NM_133437.4); short protein forms W10140fs, W10265fs, W10332fs, W16637fs, W17564fs, W19205fs.
Identifiers: ClinVar variation 3758883 (VCV003758883.2).